The following is an entry in ClinVar:

NM_000334.4(SCN4A):c.2092G>T (p.Gly698Trp)

Genes: GH-LCR (growth hormone locus control region; plus strand), SCN4A (sodium voltage-gated channel alpha subunit 4; minus strand). Cytogenetic location: 17q23.3.
Variant type: single nucleotide variant.
Coding change: c.2092G>T on transcript NM_000334.4 (MANE Select); coding-DNA position 2092, G replaced by T.
Protein change: p.Gly698Trp; replaces glycine 698 with tryptophan.
Molecular consequence: missense variant.
Genome position (GRCh38, 1-based): chr17:63,957,446, C>A on the plus strand (G>T on the coding strand, the complement: SCN4A is on the minus strand). VCF-style: chr17-63957446-C-A. GRCh37 (hg19) VCF-style: chr17-62034806-C-A.
Other names: short protein forms G698W.
Identifiers: ClinVar variation 847224 (VCV000847224.10), dbSNP rs1909106013, ClinGen allele CA400631172.

ClinVar aggregate classification (germline): Uncertain significance (1 of 4 stars; one submission).

Conditions:
Hyperkalemic periodic paralysis. Also called: Familial hyperkalemic periodic paralysis; Gamstorp disease. Identifiers: Orphanet 682, MedGen C0238357, MONDO:0008224, OMIM 170500, HP:0007215.

Submission:

Labcorp Genetics (formerly Invitae), Labcorp
Classification: Uncertain significance for Hyperkalemic periodic paralysis. Last evaluated: 2021-03-10. Review status: criteria provided, single submitter. Criteria: Invitae Variant Classification Sherloc (09022015). Collection method: clinical testing. Allele origin: germline.
Comment: This variant has not been reported in the literature in individuals with SCN4A-related conditions. In summary, the available evidence is currently insufficient to determine the role of this variant in disease. Therefore, it has been classified as a Variant of Uncertain Significance. Algorithms developed to predict the effect of missense changes on protein structure and function (SIFT, PolyPhen-2, Align-GVGD) all suggest that this variant is likely to be disruptive, but these predictions have not been confirmed by published functional studies and their clinical significance is uncertain. This variant is not present in population databases (ExAC no frequency). This sequence change replaces glycine with tryptophan at codon 698 of the SCN4A protein (p.Gly698Trp). The glycine residue is highly conserved and there is a large physicochemical difference between glycine and tryptophan.